The following is an entry in ClinVar:

NM_000535.7(PMS2):c.2446-11C>T

Gene: PMS2 (PMS1 homolog 2, mismatch repair system component; minus strand). Cytogenetic location: 7p22.1.
Variant type: single nucleotide variant.
Coding change: c.2446-11C>T on transcript NM_000535.7 (MANE Select); 11 bases into the intron before coding-DNA position 2446, C replaced by T.
Molecular consequence: intron variant.
Genome position (GRCh38, 1-based): chr7:5,973,553, G>A on the plus strand (C>T on the coding strand, the complement: PMS2 is on the minus strand). VCF-style: chr7-5973553-G-A. GRCh37 (hg19) VCF-style: chr7-6013184-G-A.
Other names: c.2128-11C>T (NM_001322008.2, NM_001322007.2); c.1885-11C>T (NM_001322010.2); c.2041-11C>T (NM_001322004.2, NM_001322003.2, NM_001322005.2); c.1873-11C>T (NM_001322013.2); c.1513-11C>T (NM_001322012.2, NM_001322011.2); c.2137-11C>T (NM_001322015.2); c.2290-11C>T (NM_001322006.2); c.2479-11C>T (NM_001322014.2); and 1 more.
Identifiers: ClinVar variation 1212931 (VCV001212931.9), dbSNP rs1417331861, ClinGen allele CA2499218937.
Genomic context (GRCh38, chr7:5,973,553, plus strand): 5'-GTGATCAGTTTCTTCATCTCGCTTGTGTTAAGAGCAGTCCCAATCATCACCTGAGTGTGA[G>A]ACACAATGGTTCAACGTTTTAGTAGTTTTTTGACGTCAGAATGGCAGCTCTTCAGAAGCA-3'

ClinVar aggregate classification (germline): Likely benign. Review status: criteria provided, multiple submitters, no conflicts (2 of 4 stars). 3 submissions from 3 submitters: Likely benign (3). Last evaluated 2025-02-04.

Conditions:
Hereditary nonpolyposis colorectal neoplasms. Identifiers: MedGen C0009405, MeSH D003123.
Lynch syndrome 4 (LYNCH4). Also called: Colorectal cancer, hereditary nonpolyposis, type 4; Hereditary non-polyposis colorectal cancer, type 4. Identifiers: Orphanet 144, MedGen C1838333, MONDO:0013699, OMIM 614337. Disease mechanism: loss of function.

Submissions (3):

Myriad Genetics, Inc.
Classification: Likely benign for Lynch syndrome 4. Last evaluated: 2025-02-04. Review status: criteria provided, single submitter. Criteria: Myriad Autosomal Dominant, Autosomal Recessive and X-Linked Classification Criteria (2023). Collection method: clinical testing. Allele origin: unknown.
Comment: This variant is considered likely benign. This variant is intronic and is not expected to impact mRNA splicing.

Labcorp Genetics (formerly Invitae), Labcorp
Classification: Likely benign for Hereditary nonpolyposis colorectal neoplasms. Last evaluated: 2023-07-16. Review status: criteria provided, single submitter. Criteria: Invitae Variant Classification Sherloc (09022015). Collection method: clinical testing. Allele origin: germline.

GeneDx
Classification: Likely benign. Last evaluated: 2020-12-07. Review status: criteria provided, single submitter. Criteria: GeneDx Variant Classification Process June 2021. Collection method: clinical testing. Allele origin: germline. Affected: yes.